The following is an entry in ClinVar:

NM_001267550.2(TTN):c.106953C>G (p.Tyr35651Ter)

Genes: TTN (titin; minus strand), TTN-AS1 (TTN antisense RNA 1; plus strand). Cytogenetic location: 2q31.2.
Variant type: single nucleotide variant.
Coding change: c.106953C>G on transcript NM_001267550.2 (MANE Select); coding-DNA position 106953, C replaced by G.
Protein change: p.Tyr35651Ter; replaces tyrosine 35651 with a stop codon.
Molecular consequence: nonsense.
Genome position (GRCh38, 1-based): chr2:178,528,798, G>C on the plus strand (C>G on the coding strand, the complement: TTN is on the minus strand). VCF-style: chr2-178528798-G-C. GRCh37 (hg19) VCF-style: chr2-179393525-G-C.
Other names: c.102030C>G, p.Tyr34010Ter (NM_001256850.1); c.79758C>G, p.Tyr26586Ter (NM_003319.4); c.99249C>G, p.Tyr33083Ter (NM_133378.4); c.80133C>G, p.Tyr26711Ter (NM_133432.3); c.80334C>G, p.Tyr26778Ter (NM_133437.4); short protein forms Y26586*, Y26711*, Y26778*, Y33083*, Y34010*, Y35651*.
Identifiers: ClinVar variation 3075912 (VCV003075912.2), dbSNP rs376886668, ClinGen allele CA349402472.
Genomic context (GRCh38, chr2:178,528,798, plus strand): 5'-ATCTCTGTGACTGGCTTGCTTGATGGTTAGGGTCTGATCGCTGCCTGAGACACCATATCG[G>C]TACTCCTCAGAGTTGGTAAGCTCTACGCCATTCAGTACCCATTTCACATCAGTGGCACCA-3'

ClinVar aggregate classification (germline): Likely pathogenic. Review status: criteria provided, multiple submitters, no conflicts (2 of 4 stars). 2 submissions from 2 submitters: Likely pathogenic (2). Last evaluated 2023-07-31.

Conditions:
Primary dilated cardiomyopathy (DCM). Also called: Dilated Cardiomyopathy. Identifiers: Orphanet 217604, MedGen C0007193, MeSH D002311, MONDO:0005021, HP:0001644. Inheritance: Various modes of inheritance.

gnomAD v4.1: 1 of 1,613,272 alleles (0.000062%); highest among the groups gnomAD compares: Non-Finnish European, 0.000085%; no homozygotes.

Submissions (2):

GeneDx
Classification: Likely pathogenic. Last evaluated: 2023-07-31. Review status: criteria provided, single submitter. Criteria: GeneDx Variant Classification Process June 2021. Collection method: clinical testing. Allele origin: germline. Affected: yes.
Comment: Has not been previously published as pathogenic or benign in association with titinopathies to our knowledge; Not observed at significant frequency in large population cohorts (gnomAD); Nonsense variant predicted to result in protein truncation or nonsense mediated decay in a gene for which loss of function is a known mechanism of disease; Located in the M-line region of TTN in which the majority of loss of function variants have been associated with autosomal recessive titinopathies (Carmignac et al., 2007); This variant is associated with the following publications: (PMID: 17444505, 35177841)

Laboratory for Molecular Medicine, Mass General Brigham Personalized Medicine
Classification: Likely pathogenic for Primary dilated cardiomyopathy. Last evaluated: 2022-11-03. Review status: criteria provided, single submitter. Criteria: ACMG Guidelines, 2015. Collection method: clinical testing. Allele origin: germline.
Comment: The p.Tyr33083X variant in TTN has not been previously reported in individuals with DCM and was absent from large population studies. This nonsense variant leads to a premature termination codon at position 33083, which is predicted to lead to a truncated or absent protein. Nonsense and other truncating variants in TTN are strongly associated with DCM if they impact the exons encoding for the A-band (Herman 2012, Pugh 2014) and/or are located in an exon that is highly expressed in the heart (Roberts 2015). The p.Tyr33083X variant is located in a highly expressed exon in the M-band. In summary, although additional studies are required to fully establish its clinical significance, this variant meets criteria to be classified as likely pathogenic for autosomal dominant DCM. ACMG/AMP Criteria applied: PVS1, PM2_Supporting.